The following is an entry in ClinVar:

ClinVar aggregate classification (germline): Uncertain significance (1 of 4 stars; one submission).

Allele frequency attached by ClinVar (database versions not stated): gnomAD exomes below 0.00001; gnomAD 0.00001; TOPMed 0.00002.
gnomAD v4.1: 3 of 1,614,120 alleles (0.00019%); highest among the groups gnomAD compares: African/African-American, 0.0027%; no homozygotes.

Submission:

Labcorp Genetics (formerly Invitae), Labcorp
Classification: Uncertain significance. Last evaluated: 2025-06-12. Review status: criteria provided, single submitter. Criteria: Invitae Variant Classification Sherloc (09022015). Collection method: clinical testing. Allele origin: germline.
Comment: This sequence change replaces asparagine, which is neutral and polar, with serine, which is neutral and polar, at codon 220 of the EGF protein (p.Asn220Ser). This variant is present in population databases (no rsID available, gnomAD 0.01%). This variant has not been reported in the literature in individuals affected with EGF-related conditions. ClinVar contains an entry for this variant (Variation ID: 2092478). An algorithm developed to predict the effect of missense changes on protein structure and function outputs the following: PolyPhen-2: "Benign". The serine amino acid residue is found in multiple mammalian species, which suggests that this missense change does not adversely affect protein function. In summary, the available evidence is currently insufficient to determine the role of this variant in disease. Therefore, it has been classified as a Variant of Uncertain Significance.

NM_001963.6(EGF):c.659A>G (p.Asn220Ser)

Gene: EGF (epidermal growth factor; plus strand). Cytogenetic location: 4q25.
Variant type: single nucleotide variant.
Coding change: c.659A>G on transcript NM_001963.6 (MANE Select); coding-DNA position 659, A replaced by G.
Protein change: p.Asn220Ser; replaces asparagine 220 with serine.
Molecular consequence: missense variant.
Genome position (GRCh38, 1-based): chr4:109,943,991, A>G. VCF-style: chr4-109943991-A-G. GRCh37 (hg19) VCF-style: chr4-110865147-A-G.
Other names: c.659A>G, p.Asn220Ser (NM_001178130.3, NM_001178131.3, NM_001357021.2); short protein forms N220S.
Identifiers: ClinVar variation 2092478 (VCV002092478.4), dbSNP rs1198880581, ClinGen allele CA357876459.